The following is an entry in ClinVar:

NM_006648.4(WNK2):c.644C>T (p.Thr215Met)

Gene: WNK2 (WNK lysine deficient protein kinase 2; plus strand). Cytogenetic location: 9q22.31.
Variant type: single nucleotide variant.
Coding change: c.644C>T on transcript NM_006648.4 (MANE Select); coding-DNA position 644, C replaced by T.
Protein change: p.Thr215Met; replaces threonine 215 with methionine.
Molecular consequence: missense variant.
Genome position (GRCh38, 1-based): chr9:93,185,573, C>T. VCF-style: chr9-93185573-C-T. GRCh37 (hg19) VCF-style: chr9-95947855-C-T.
Other names: c.644C>T, p.Thr215Met (NM_001282394.3); short protein forms T215M.
Identifiers: ClinVar variation 3981654 (VCV003981654.1).

ClinVar aggregate classification (germline): Uncertain significance (1 of 4 stars; one submission).

gnomAD v4.1: 1 of 1,612,588 alleles (0.000062%); highest among the groups gnomAD compares: Non-Finnish European, 0.000085%; no homozygotes.

Submission:

Ambry Genetics
Classification: Uncertain significance. Last evaluated: 2025-03-17. Review status: criteria provided, single submitter. Criteria: Ambry Variant Classification Scheme 2023. Collection method: clinical testing. Allele origin: germline.
Comment: The p.T215M variant (also known as c.644C>T), located in coding exon 1 of the WNK2 gene, results from a C to T substitution at nucleotide position 644. The threonine at codon 215 is replaced by methionine, an amino acid with similar properties. This amino acid position is conserved. In addition, the in silico prediction for this alteration is inconclusive. Based on the available evidence, the clinical significance of this variant remains unclear.